The following is an entry in ClinVar:

NM_003384.3(VRK1):c.1147G>T (p.Ala383Ser)

Gene: VRK1 (VRK serine/threonine kinase 1; plus strand). Cytogenetic location: 14q32.2.
Variant type: single nucleotide variant.
Coding change: c.1147G>T on transcript NM_003384.3 (MANE Select); coding-DNA position 1147, G replaced by T.
Protein change: p.Ala383Ser; replaces alanine 383 with serine.
Molecular consequence: missense variant.
Genome position (GRCh38, 1-based): chr14:96,876,108, G>T. VCF-style: chr14-96876108-G-T. GRCh37 (hg19) VCF-style: chr14-97342445-G-T.
Other names: c.1147G>T, p.Ala383Ser (NM_001411051.1); c.1144G>T, p.Ala382Ser (NM_001411053.1); short protein forms A383S, A382S.
Identifiers: ClinVar variation 1732957 (VCV001732957.2), dbSNP rs1889020620, ClinGen allele CA390932524.

ClinVar aggregate classification (germline): Uncertain significance (1 of 4 stars; one submission).

Conditions:
Inborn genetic diseases. Identifiers: MedGen C0950123, MeSH D030342.

Allele frequency attached by ClinVar (database versions not stated): TOPMed below 0.00001.

Submission:

Ambry Genetics
Classification: Uncertain significance for Inborn genetic diseases. Last evaluated: 2020-02-19. Review status: criteria provided, single submitter. Criteria: Ambry Variant Classification Scheme 2023. Collection method: clinical testing. Allele origin: germline.
Comment: The p.A383S variant (also known as c.1147G>T), located in coding exon 11 of the VRK1 gene, results from a G to T substitution at nucleotide position 1147. The alanine at codon 383 is replaced by serine, an amino acid with similar properties. This amino acid position is not well conserved in available vertebrate species. In addition, this alteration is predicted to be tolerated by in silico analysis. Since supporting evidence is limited at this time, the clinical significance of this alteration remains unclear.